The following is an entry in ClinVar:

NM_182961.4(SYNE1):c.17202+24G>A

Genes: SYNE1 (spectrin repeat containing nuclear envelope protein 1; minus strand), LOC126859837 (BRD4-independent group 4 enhancer GRCh37_chr6:152630775-152631974; plus strand). Cytogenetic location: 6q25.2.
Variant type: single nucleotide variant.
Coding change: c.17202+24G>A on transcript NM_182961.4 (MANE Select); 24 bases into the intron after coding-DNA position 17202, G replaced by A.
Molecular consequence: intron variant.
Genome position (GRCh38, 1-based): chr6:152,309,811, C>T on the plus strand (G>A on the coding strand, the complement: SYNE1 is on the minus strand). VCF-style: chr6-152309811-C-T. GRCh37 (hg19) VCF-style: chr6-152630946-C-T.
Other names: c.16989+24G>A (NM_033071.5).
Identifiers: ClinVar variation 262171 (VCV000262171.14), dbSNP rs12662994, ClinGen allele CA4055318.
Genomic context (GRCh38, chr6:152,309,811, plus strand): 5'-GATGGCTGAGCCCACACAATGCTAAGAAAAGAAGCCCATGATTCATCAGCAATTGCTCTA[C>T]TGGTGTGGGTACCCTGCACCTGCCTGCATGATGTTACACTGCTGGATGGCGGTGTGCTGC-3'

ClinVar aggregate classification (germline): Benign. Review status: criteria provided, multiple submitters, no conflicts (2 of 4 stars). 7 submissions from 5 submitters: Benign (7). Last evaluated 2026-02-01.

Conditions:
Arthrogryposis multiplex congenita 3, myogenic type. Also called: ARTHROGRYPOSIS MULTIPLEX CONGENITA, MYOGENIC TYPE. Identifiers: MedGen C5193121, MONDO:0032778, OMIM 618484.
Emery-Dreifuss muscular dystrophy 4, autosomal dominant (EDMD4). Also called: EMERY-DREIFUSS MUSCULAR DYSTROPHY 4 WITH VARIABLE FEATURES. Identifiers: Orphanet 261, MedGen C2751807, MONDO:0013071, OMIM 612998.
Autosomal recessive ataxia, Beauce type. Also called: Spinocerebellar ataxia, autosomal recessive 8; ATAXIA, RECESSIVE, OF BEAUCE; SYNE1-Related Autosomal Recessive Cerebellar Ataxia; SYNE1 Deficiency. Identifiers: Orphanet 88644, MedGen C1853116, MONDO:0012549, OMIM 610743.

Allele frequency attached by ClinVar (database versions not stated): ESP Exome Variant Server 0.07973; gnomAD 0.09437 and 0.09758; gnomAD exomes 0.10088 and 0.13207; TOPMed 0.10867; 1000 Genomes Project 0.11761; 1000 Genomes Project 30x 0.11899; ExAC 0.12333.
gnomAD v4.1: 162,557 of 1,612,526 alleles (10%); highest among the groups gnomAD compares: Admixed American, 30%; 10,355 homozygotes.

Submissions (7):

Labcorp Genetics (formerly Invitae), Labcorp
Classification: Benign for Emery-Dreifuss muscular dystrophy 4, autosomal dominant; Autosomal recessive ataxia, Beauce type. Last evaluated: 2026-02-01. Review status: criteria provided, single submitter. Criteria: Invitae Variant Classification Sherloc (09022015). Collection method: clinical testing. Allele origin: germline.

Blueprint Genetics
Classification: Benign. Last evaluated: 2024-11-27. Review status: criteria provided, single submitter. Criteria: ACMG Guidelines, 2015. Collection method: clinical testing. Allele origin: germline.

Genome-Nilou Lab
Classification: Benign for Arthrogryposis multiplex congenita 3, myogenic type. Last evaluated: 2021-07-15. Review status: criteria provided, single submitter. Criteria: ACMG Guidelines, 2015. Collection method: clinical testing. Allele origin: germline. Affected: no.

Genome-Nilou Lab
Classification: Benign for Emery-Dreifuss muscular dystrophy 4, autosomal dominant. Last evaluated: 2021-07-15. Review status: criteria provided, single submitter. Criteria: ACMG Guidelines, 2015. Collection method: clinical testing. Allele origin: germline. Affected: no.

Genome-Nilou Lab
Classification: Benign for Autosomal recessive ataxia, Beauce type. Last evaluated: 2021-07-15. Review status: criteria provided, single submitter. Criteria: ACMG Guidelines, 2015. Collection method: clinical testing. Allele origin: germline. Affected: no.

GeneDx
Classification: Benign. Last evaluated: 2016-01-28. Review status: criteria provided, single submitter. Criteria: GeneDx Variant Classification (06012015). Collection method: clinical testing. Allele origin: germline. Affected: yes.
Comment: This variant is considered likely benign or benign based on one or more of the following criteria: it is a conservative change, it occurs at a poorly conserved position in the protein, it is predicted to be benign by multiple in silico algorithms, and/or has population frequency not consistent with disease.

PreventionGenetics, part of Exact Sciences
Classification: Benign. Review status: criteria provided, single submitter. Criteria: ACMG Guidelines, 2015. Collection method: clinical testing. Allele origin: germline.